The following is an entry in ClinVar:

NM_018136.5(ASPM):c.7426A>G (p.Lys2476Glu)

Gene: ASPM (assembly factor for spindle microtubules; minus strand). Cytogenetic location: 1q31.3.
Variant type: single nucleotide variant.
Coding change: c.7426A>G on transcript NM_018136.5 (MANE Select); coding-DNA position 7426, A replaced by G.
Protein change: p.Lys2476Glu; replaces lysine 2476 with glutamic acid.
Molecular consequence: missense variant. On other transcripts: intron variant (1).
Genome position (GRCh38, 1-based): chr1:197,101,825, T>C on the plus strand (A>G on the coding strand, the complement: ASPM is on the minus strand). VCF-style: chr1-197101825-T-C. GRCh37 (hg19) VCF-style: chr1-197070955-T-C.
Other names: c.4066-5661A>G (NM_001206846.2); short protein forms K2476E.
Identifiers: ClinVar variation 234258 (VCV000234258.3), dbSNP rs539679809, ClinGen allele CA1309407.

ClinVar aggregate classification (germline): Uncertain significance. Review status: criteria provided, multiple submitters, no conflicts (2 of 4 stars). 2 submissions from 2 submitters: Uncertain significance (2). Last evaluated 2025-01-20.

Conditions:
Inborn genetic diseases. Identifiers: MedGen C0950123, MeSH D030342.

Allele frequency attached by ClinVar (database versions not stated): gnomAD 0.00001; ExAC 0.00002; gnomAD exomes 0.00002; 1000 Genomes Project 30x 0.00031; 1000 Genomes Project 0.00040.
gnomAD v4.1: 22 of 1,612,844 alleles (0.0014%); highest among the groups gnomAD compares: South Asian, 0.024%; no homozygotes.

Submissions (2):

Ambry Genetics
Classification: Uncertain significance for Inborn genetic diseases. Last evaluated: 2025-01-20. Review status: criteria provided, single submitter. Criteria: Ambry Variant Classification Scheme 2023. Collection method: clinical testing. Allele origin: germline.

GeneDx
Classification: Uncertain significance. Last evaluated: 2013-12-16. Review status: criteria provided, single submitter. Criteria: GeneDx Variant Classification (06012015). Collection method: clinical testing. Allele origin: germline. Affected: yes.
Comment: The novel Lys247Glu missense change has not been published as a mutation, nor has it been reported as a benign polymorphism to our knowledge. It was not observed in approximately 6,500 individuals of European and African American ancestry in the NHLBI Exome Sequencing Project, indicating it is not a common benign variant in these populations. This variant is a non-conservative amino acid substitution of a positively charged Lysine residue with a negatively charged Glutamic acid residue. However, Lys247Glu alters a poorly conserved position in the ASPM protein and in silico analysis predicts this variant likely has a benign effect on the protein structure/function. Therefore, based on the currently available information, it is unclear whether Lys247Glu is a disease-causing mutation or a rare benign variant.